The following is an entry in ClinVar:

NM_001276345.2(TNNT2):c.353C>T (p.Ala118Val)

Gene: TNNT2 (troponin T2, cardiac type; minus strand). Cytogenetic location: 1q32.1.
Variant type: single nucleotide variant.
Coding change: c.353C>T on transcript NM_001276345.2 (MANE Select); coding-DNA position 353, C replaced by T.
Protein change: p.Ala118Val; replaces alanine 118 with valine.
Molecular consequence: missense variant. On other transcripts: intron variant (1).
Genome position (GRCh38, 1-based): chr1:201,365,249, G>A on the plus strand (C>T on the coding strand, the complement: TNNT2 is on the minus strand). VCF-style: chr1-201365249-G-A. GRCh37 (hg19) VCF-style: chr1-201334377-G-A.
Other names: c.308C>T, p.Ala103Val (NM_001001432.3, NM_001406728.1); c.323C>T, p.Ala108Val (NM_001276347.2, NM_001406724.1, NM_001406726.1 and 3 more transcripts); c.353C>T, p.Ala118Val (NM_001406723.1, NM_000364.4); c.320C>T, p.Ala107Val (NM_001406725.1); c.291+361C>T (NM_001276346.2); short protein forms A103V, A107V, A108V, A118V.
Identifiers: ClinVar variation 4881568 (VCV004881568.2).

ClinVar aggregate classification (germline): Uncertain significance (1 of 4 stars; one submission).

Conditions:
Hypertrophic cardiomyopathy 2. Also called: TNNT2-Related Familial Hypertrophic Cardiomyopathy. Identifiers: MedGen C1861864, MONDO:0007266, OMIM 115195.

Submission:

Dasa
Classification: Uncertain significance for Hypertrophic cardiomyopathy 2. Last evaluated: 2026-03-09. Review status: criteria provided, single submitter. Criteria: DASA Assertion Criteria. Collection method: clinical testing. Allele origin: germline.
Comment: NM_001276345.2(TNNT2):c.353C>T (p.Ala118Val) is a missense variant that results in the substitution of alanine with valine. The affected residue or protein region has prior evidence supporting clinical relevance. This variant is rare in population databases. The currently available literature and clinical evidence are not sufficient to establish a definitive association between this variant and the reported condition. Therefore, this variant is classified as a variant of uncertain significance.